The following is an entry in ClinVar:

NM_000078.3(CETP):c.397G>A (p.Glu133Lys)

Gene: CETP (cholesteryl ester transfer protein; plus strand). Cytogenetic location: 16q13.
Variant type: single nucleotide variant.
Coding change: c.397G>A on transcript NM_000078.3 (MANE Select); coding-DNA position 397, G replaced by A.
Protein change: p.Glu133Lys; replaces glutamic acid 133 with lysine.
Molecular consequence: missense variant.
Genome position (GRCh38, 1-based): chr16:56,969,639, G>A. VCF-style: chr16-56969639-G-A. GRCh37 (hg19) VCF-style: chr16-57003551-G-A.
Other names: c.397G>A, p.Glu133Lys (NM_001286085.2); short protein forms E133K.
Identifiers: ClinVar variation 4751307 (VCV004751307.1).

ClinVar aggregate classification (germline): Uncertain significance (1 of 4 stars; one submission).

gnomAD v4.1: 249 of 1,614,038 alleles (0.015%); highest among the groups gnomAD compares: Non-Finnish European, 0.02%; no homozygotes.

Submission:

Labcorp Genetics (formerly Invitae), Labcorp
Classification: Uncertain significance. Last evaluated: 2026-01-04. Review status: criteria provided, single submitter. Criteria: Invitae Variant Classification Sherloc (09022015). Collection method: clinical testing. Allele origin: germline.
Comment: This sequence change replaces glutamic acid, which is acidic and polar, with lysine, which is basic and polar, at codon 133 of the CETP protein (p.Glu133Lys). This variant is present in population databases (rs150236668, gnomAD 0.01%). This variant has not been reported in the literature in individuals affected with CETP-related conditions. Invitae Evidence Modeling of protein sequence and biophysical properties (such as structural, functional, and spatial information, amino acid conservation, physicochemical variation, residue mobility, and thermodynamic stability) has been performed for this missense variant. However, the output from this modeling did not meet the statistical confidence thresholds required to predict the impact of this variant on CETP protein function. In summary, the available evidence is currently insufficient to determine the role of this variant in disease. Therefore, it has been classified as a Variant of Uncertain Significance.